The following is an entry in ClinVar:

ClinVar aggregate classification (germline): Uncertain significance (1 of 4 stars; one submission).

Conditions:
Episodic ataxia type 2 (EA2). Also called: ACETAZOLAMIDE-RESPONSIVE HEREDITARY PAROXYSMAL CEREBELLAR ATAXIA; CEREBELLAR ATAXIA, PAROXYSMAL, ACETAZOLAMIDE-RESPONSIVE; CEREBELLOPATHY, HEREDITARY PAROXYSMAL; EPISODIC ATAXIA, NYSTAGMUS-ASSOCIATED; ATAXIA, EPISODIC, WITH NYSTAGMUS; ATAXIA, FAMILIAL PAROXYSMAL. Identifiers: Orphanet 97, MedGen C1720416, MONDO:0007163, OMIM 108500.
Developmental and epileptic encephalopathy, 42 (DEE42A). Also called: DEVELOPMENTAL AND EPILEPTIC ENCEPHALOPATHY 42A; EPILEPTIC ENCEPHALOPATHY, EARLY INFANTILE, 42A; Epileptic encephalopathy, early infantile, 42. Identifiers: MedGen C4310716, MONDO:0014917, OMIM 617106.

gnomAD v4.1: 8 of 1,610,972 alleles (0.0005%); highest among the groups gnomAD compares: Non-Finnish European, 0.00059%; no homozygotes.

Submission:

Labcorp Genetics (formerly Invitae), Labcorp
Classification: Uncertain significance for Developmental and epileptic encephalopathy, 42; Episodic ataxia type 2. Last evaluated: 2025-10-07. Review status: criteria provided, single submitter. Criteria: Invitae Variant Classification Sherloc (09022015). Collection method: clinical testing. Allele origin: germline.
Comment: This sequence change affects codon 712 of the CACNA1A mRNA. It is a 'silent' change, meaning that it does not change the encoded amino acid sequence of the CACNA1A protein. This variant is not present in population databases (gnomAD no frequency). This variant has not been reported in the literature in individuals affected with CACNA1A-related conditions. ClinVar contains an entry for this variant (Variation ID: 578805). Algorithms developed to predict the effect of sequence changes on RNA splicing suggest that this variant may disrupt the consensus splice site. In summary, the available evidence is currently insufficient to determine the role of this variant in disease. Therefore, it has been classified as a Variant of Uncertain Significance.

NM_001127222.2(CACNA1A):c.2133C>A (p.Ile711=)

Gene: CACNA1A (calcium voltage-gated channel subunit alpha1 A; minus strand). Cytogenetic location: 19p13.13.
Variant type: single nucleotide variant.
Coding change: c.2133C>A on transcript NM_001127222.2 (MANE Select); coding-DNA position 2133, C replaced by A.
Protein change: p.Ile711=; no amino-acid change (isoleucine 711 retained).
Molecular consequence: synonymous variant.
Genome position (GRCh38, 1-based): chr19:13,303,585, G>T on the plus strand (C>A on the coding strand, the complement: CACNA1A is on the minus strand). VCF-style: chr19-13303585-G-T. GRCh37 (hg19) VCF-style: chr19-13414399-G-T.
Other names: c.2136C>A, p.Ile712= (NM_000068.4, NM_001127221.2, NM_001174080.2 and 1 more transcripts).
Identifiers: ClinVar variation 578805 (VCV000578805.9), dbSNP rs764839814, ClinGen allele CA505660862.